The following is an entry in ClinVar:

ClinVar aggregate classification (germline): Uncertain significance (0 of 4 stars; one submission).

Conditions:
PHIP-related disorder. Also called: PHIP-related condition; PHIP-related disorders.

gnomAD v4.1: 15 of 1,607,734 alleles (0.00093%); highest among the groups gnomAD compares: African/African-American, 0.0013%; no homozygotes.

Submission:

PreventionGenetics, part of Exact Sciences
Classification: Uncertain significance for PHIP-related condition. Last evaluated: 2023-11-27. Review status: no assertion criteria provided. Collection method: clinical testing. Allele origin: germline.
Comment: The PHIP c.1240A>C variant is predicted to result in the amino acid substitution p.Asn414His. To our knowledge, this variant has not been reported in the literature. This variant is reported in 0.0018% of alleles in individuals of European (Non-Finnish) descent in gnomAD. At this time, the clinical significance of this variant is uncertain due to the absence of conclusive functional and genetic evidence.

NM_017934.7(PHIP):c.1240A>C (p.Asn414His)

Gene: PHIP (PHIP subunit of CUL4-Ring ligase complex; minus strand). Cytogenetic location: 6q14.1.
Variant type: single nucleotide variant.
Coding change: c.1240A>C on transcript NM_017934.7 (MANE Select); coding-DNA position 1240, A replaced by C.
Protein change: p.Asn414His; replaces asparagine 414 with histidine.
Molecular consequence: missense variant.
Genome position (GRCh38, 1-based): chr6:79,015,779, T>G on the plus strand (A>C on the coding strand, the complement: PHIP is on the minus strand). VCF-style: chr6-79015779-T-G. GRCh37 (hg19) VCF-style: chr6-79725496-T-G.
Other names: short protein forms N414H.
Identifiers: ClinVar variation 3355205 (VCV003355205.1).